The following is an entry in ClinVar:

NM_000426.4(LAMA2):c.2476C>T (p.Arg826Trp)

Gene: LAMA2 (laminin subunit alpha 2; plus strand). Cytogenetic location: 6q22.33.
Variant type: single nucleotide variant.
Coding change: c.2476C>T on transcript NM_000426.4 (MANE Select); coding-DNA position 2476, C replaced by T.
Protein change: p.Arg826Trp; replaces arginine 826 with tryptophan.
Molecular consequence: missense variant.
Genome position (GRCh38, 1-based): chr6:129,280,086, C>T. VCF-style: chr6-129280086-C-T. GRCh37 (hg19) VCF-style: chr6-129601231-C-T.
Other names: c.2476C>T, p.Arg826Trp (NM_001079823.2); short protein forms R826W.
Identifiers: ClinVar variation 167241 (VCV000167241.60), dbSNP rs118147866, ClinGen allele CA180154.

ClinVar aggregate classification (germline): Conflicting classifications of pathogenicity. Review status: criteria provided, conflicting classifications (1 of 4 stars). 12 submissions from 12 submitters: Uncertain significance (1); Benign (5); Likely benign (4). 2 of the submissions do not count toward it. Last evaluated 2026-09-01.

Conditions:
LAMA2-related muscular dystrophy (LAMA2-RD). Also called: Laminin alpha 2-related dystrophy. Identifiers: MedGen C5679788, MONDO:0100228.
Congenital muscular dystrophy due to partial LAMA2 deficiency. Identifiers: MedGen C1842898.

Allele frequency attached by ClinVar (database versions not stated): 1000 Genomes Project 30x 0.00281; TOPMed 0.00304; 1000 Genomes Project 0.00319; ESP Exome Variant Server 0.00477; ExAC 0.00503; gnomAD 0.00531 and 0.00549; gnomAD exomes 0.00533.
gnomAD v4.1: 9,450 of 1,613,132 alleles (0.59%); highest among the groups gnomAD compares: Non-Finnish European, 0.62%; 49 homozygotes.

Submissions (12):

CeGaT Center for Human Genetics Tuebingen
Classification: Likely benign. Last evaluated: 2026-09-01. Review status: criteria provided, single submitter. Criteria: CeGaT Center For Human Genetics Tuebingen Variant Classification Criteria Version 2. Collection method: clinical testing. Allele origin: germline. Affected: yes. Observed: 19 variant alleles.
Comment: LAMA2: BP4, BS2

Labcorp Genetics (formerly Invitae), Labcorp
Classification: Benign for LAMA2-related muscular dystrophy. Last evaluated: 2026-02-04. Review status: criteria provided, single submitter. Criteria: Invitae Variant Classification Sherloc (09022015). Collection method: clinical testing. Allele origin: germline.

Blueprint Genetics
Classification: Likely benign. Last evaluated: 2024-11-26. Review status: criteria provided, single submitter. Criteria: ACMG Guidelines, 2015. Collection method: clinical testing. Allele origin: germline.

Mayo Clinic Laboratories, Mayo Clinic
Classification: Benign. Last evaluated: 2022-09-15. Review status: criteria provided, single submitter. Criteria: ACMG Guidelines, 2015. Collection method: clinical testing. Allele origin: germline. Observed: 25 variant alleles.

Genetic Services Laboratory, University of Chicago
Classification: Benign. Last evaluated: 2020-05-06. Review status: criteria provided, single submitter. Criteria: ACMG Guidelines, 2015. Collection method: clinical testing. Allele origin: germline. Affected: no.

Illumina Laboratory Services, Illumina
Classification: Uncertain significance for Congenital muscular dystrophy due to partial LAMA2 deficiency. Last evaluated: 2018-01-12. Review status: criteria provided, single submitter. Criteria: ICSL Variant Classification Criteria 13 December 2019. Collection method: clinical testing. Allele origin: germline.

GeneDx
Classification: Benign. Last evaluated: 2016-11-07. Review status: criteria provided, single submitter. Criteria: GeneDx Variant Classification (06012015). Collection method: clinical testing. Allele origin: germline. Affected: yes.
Comment: This variant is considered likely benign or benign based on one or more of the following criteria: it is a conservative change, it occurs at a poorly conserved position in the protein, it is predicted to be benign by multiple in silico algorithms, and/or has population frequency not consistent with disease.

Center for Pediatric Genomic Medicine, Children's Mercy Hospital and Clinics
Classification: Likely benign. Last evaluated: 2015-09-28. Review status: criteria provided, single submitter. Criteria: ACMG Guidelines, 2015. Collection method: clinical testing. Allele origin: germline.
ClinVar note: Converted during submission from Likely Benign to Likely benign.

Eurofins Ntd Llc (ga)
Classification: Benign. Last evaluated: 2013-12-17. Review status: criteria provided, single submitter. Criteria: EGL Classification Definitions 2015. Collection method: clinical testing. Allele origin: germline. Observed: 1 variant allele, 1 heterozygote.

PreventionGenetics, part of Exact Sciences
Classification: Likely benign. Review status: criteria provided, single submitter. Criteria: ACMG Guidelines, 2015. Collection method: clinical testing. Allele origin: germline.

Clinical Genetics DNA and cytogenetics Diagnostics Lab, Erasmus MC, Erasmus Medical Center
Classification: Likely benign. Review status: no assertion criteria provided. Collection method: clinical testing. Allele origin: germline. Affected: yes. Study: VKGL Data-share Consensus. Not counted in ClinVar's aggregate classification.

Laboratory of Diagnostic Genome Analysis, Leiden University Medical Center (LUMC)
Classification: Likely benign. Review status: no assertion criteria provided. Collection method: clinical testing. Allele origin: germline. Affected: yes. Study: VKGL Data-share Consensus. Not counted in ClinVar's aggregate classification.